The following is an entry in ClinVar:

ClinVar aggregate classification (germline): Pathogenic. Review status: criteria provided, single submitter (1 of 4 stars). 2 submissions from 2 submitters: Pathogenic (1). 1 of the submissions does not count toward it. Last evaluated 2023-04-09.

Conditions:
Inborn genetic diseases. Identifiers: MedGen C0950123, MeSH D030342.
Intellectual developmental disorder, autosomal recessive 80, with variant lissencephaly (MRT80). Identifiers: MedGen C5882733, MONDO:0957999, OMIM 620653.

Allele frequency attached by ClinVar (database versions not stated): gnomAD exomes 0.00001; TOPMed 0.00001.
gnomAD v4.1: 7 of 1,613,796 alleles (0.00043%); highest among the groups gnomAD compares: South Asian, 0.0011%; no homozygotes.

Submissions (2):

Acibadem Labgen Genetic Diagnostic Center
Classification: Pathogenic for Inborn genetic diseases. Last evaluated: 2023-04-09. Review status: criteria provided, single submitter. Criteria: ACMG Guidelines, 2015. Collection method: clinical testing. Allele origin: biparental. Inheritance: Autosomal recessive inheritance. Affected: yes. Observed: 1 compound heterozygote.
Comment: It was seen with c.876+1G>T allele as compound heterozygous

OMIM
Classification: Pathogenic for INTELLECTUAL DEVELOPMENTAL DISORDER, AUTOSOMAL RECESSIVE 80, WITH VARIANT LISSENCEPHALY. Last evaluated: 2024-01-09. Review status: no assertion criteria provided. Collection method: literature only. Allele origin: germline. Not counted in ClinVar's aggregate classification.

Literature cited by the submitters: PubMed 37880421 (cited by OMIM).

NM_032982.4(CASP2):c.130C>T (p.Arg44Ter)

Gene: CASP2 (caspase 2; plus strand). Cytogenetic location: 7q34.
Variant type: single nucleotide variant.
Coding change: c.130C>T on transcript NM_032982.4 (MANE Select); coding-DNA position 130, C replaced by T.
Protein change: p.Arg44Ter; replaces arginine 44 with a stop codon.
Molecular consequence: nonsense.
Genome position (GRCh38, 1-based): chr7:143,291,595, C>T. VCF-style: chr7-143291595-C-T. GRCh37 (hg19) VCF-style: chr7-142988688-C-T.
Other names: c.37C>T, p.Arg13Ter (NM_001224.5); c.130C>T, p.Arg44Ter (NM_032983.4); short protein forms R13*, R44*.
Identifiers: ClinVar variation 2499471 (VCV002499471.4), dbSNP rs910498292, ClinGen allele CA168224061.